The following is an entry in ClinVar:

ClinVar aggregate classification (germline): Uncertain significance (1 of 4 stars; one submission).

Conditions:
Nemaline myopathy 2 (NEM2). Also called: Nemaline myopathy 2, autosomal recessive. Identifiers: MedGen C1850569, MONDO:0009725, OMIM 256030.

Submission:

Labcorp Genetics (formerly Invitae), Labcorp
Classification: Uncertain significance for Nemaline myopathy 2. Last evaluated: 2022-03-25. Review status: criteria provided, single submitter. Criteria: Invitae Variant Classification Sherloc (09022015). Collection method: clinical testing. Allele origin: germline.
Comment: In summary, the available evidence is currently insufficient to determine the role of this variant in disease. Therefore, it has been classified as a Variant of Uncertain Significance. Algorithms developed to predict the effect of missense changes on protein structure and function are either unavailable or do not agree on the potential impact of this missense change (SIFT: "Deleterious"; PolyPhen-2: "Not Available"; Align-GVGD: "Class C0"). This variant has not been reported in the literature in individuals affected with NEB-related conditions. This variant is not present in population databases (gnomAD no frequency). This sequence change replaces alanine, which is neutral and non-polar, with threonine, which is neutral and polar, at codon 858 of the NEB protein (p.Ala858Thr).

NM_001164508.2(NEB):c.2572G>A (p.Ala858Thr)

Gene: NEB (nebulin; minus strand). Cytogenetic location: 2q23.3.
Variant type: single nucleotide variant.
Coding change: c.2572G>A on transcript NM_001164508.2 (MANE Select); coding-DNA position 2572, G replaced by A.
Protein change: p.Ala858Thr; replaces alanine 858 with threonine.
Molecular consequence: missense variant.
Genome position (GRCh38, 1-based): chr2:151,687,484, C>T on the plus strand (G>A on the coding strand, the complement: NEB is on the minus strand). VCF-style: chr2-151687484-C-T. GRCh37 (hg19) VCF-style: chr2-152543998-C-T.
Other names: c.2572G>A, p.Ala858Thr (NM_001164507.2, NM_001271208.2, NM_004543.5); short protein forms A858T.
Identifiers: ClinVar variation 2116704 (VCV002116704.4), dbSNP rs2552266096, ClinGen allele CA348822660.